The following is an entry in ClinVar:

NM_032603.5(LOXL3):c.1231A>G (p.Thr411Ala)

Gene: LOXL3 (lysyl oxidase like 3; minus strand). Cytogenetic location: 2p13.1.
Variant type: single nucleotide variant.
Coding change: c.1231A>G on transcript NM_032603.5 (MANE Select); coding-DNA position 1231, A replaced by G.
Protein change: p.Thr411Ala; replaces threonine 411 with alanine.
Molecular consequence: missense variant.
Genome position (GRCh38, 1-based): chr2:74,536,013, T>C on the plus strand (A>G on the coding strand, the complement: LOXL3 is on the minus strand). VCF-style: chr2-74536013-T-C. GRCh37 (hg19) VCF-style: chr2-74763140-T-C.
Other names: c.796A>G, p.Thr266Ala (NM_001289164.3); c.148A>G, p.Thr50Ala (NM_001289165.2); c.1231A>G (NM_032603.2); short protein forms T411A, T50A, T266A.
Identifiers: ClinVar variation 3701038 (VCV003701038.2).

ClinVar aggregate classification (germline): Uncertain significance. Review status: criteria provided, multiple submitters, no conflicts (2 of 4 stars). 2 submissions from 2 submitters: Uncertain significance (2). Last evaluated 2025-01-23.

gnomAD v4.1: 2 of 1,586,786 alleles (0.00013%); highest among the groups gnomAD compares: East Asian, 0.0022%; no homozygotes.

Submissions (2):

Ambry Genetics
Classification: Uncertain significance. Last evaluated: 2025-01-23. Review status: criteria provided, single submitter. Criteria: Ambry Variant Classification Scheme 2023. Collection method: clinical testing. Allele origin: germline.

Labcorp Genetics (formerly Invitae), Labcorp
Classification: Uncertain significance. Last evaluated: 2024-10-30. Review status: criteria provided, single submitter. Criteria: Invitae Variant Classification Sherloc (09022015). Collection method: clinical testing. Allele origin: germline.
Comment: This sequence change replaces threonine, which is neutral and polar, with alanine, which is neutral and non-polar, at codon 411 of the LOXL3 protein (p.Thr411Ala). This variant is not present in population databases (gnomAD no frequency). This variant has not been reported in the literature in individuals affected with LOXL3-related conditions. An algorithm developed to predict the effect of missense changes on protein structure and function (PolyPhen-2) suggests that this variant¬†is likely to be tolerated. In summary, the available evidence is currently insufficient to determine the role of this variant in disease. Therefore, it has been classified as a Variant of Uncertain Significance.